The following is an entry in ClinVar:

NM_006449.5(CDC42EP3):c.158T>C (p.Phe53Ser)

Gene: CDC42EP3 (CDC42 effector protein 3; minus strand). Cytogenetic location: 2p22.2.
Variant type: single nucleotide variant.
Coding change: c.158T>C on transcript NM_006449.5 (MANE Select); coding-DNA position 158, T replaced by C.
Protein change: p.Phe53Ser; replaces phenylalanine 53 with serine.
Molecular consequence: missense variant.
Genome position (GRCh38, 1-based): chr2:37,646,430, A>G on the plus strand (T>C on the coding strand, the complement: CDC42EP3 is on the minus strand). VCF-style: chr2-37646430-A-G. GRCh37 (hg19) VCF-style: chr2-37873573-A-G.
Other names: c.158T>C, p.Phe53Ser (NM_001270436.2, NM_001270437.2, NM_001270438.2 and 2 more transcripts); short protein forms F53S.
Identifiers: ClinVar variation 3349806 (VCV003349806.1).

ClinVar aggregate classification (germline): Uncertain significance (0 of 4 stars; one submission).

Conditions:
CDC42EP3-related condition.

gnomAD v4.1: 1 of 1,614,158 alleles (0.000062%); highest among the groups gnomAD compares: Non-Finnish European, 0.000085%; no homozygotes.

Submission:

PreventionGenetics, part of Exact Sciences
Classification: Uncertain significance for CDC42EP3-related condition. Last evaluated: 2024-05-13. Review status: no assertion criteria provided. Collection method: clinical testing. Allele origin: germline.
Comment: The CDC42EP3 c.158T>C variant is predicted to result in the amino acid substitution p.Phe53Ser. To our knowledge, this variant has not been reported in the literature or in a large population database indicating this variant is rare. At this time, the clinical significance of this variant is uncertain due to the absence of conclusive functional and genetic evidence.